The following is an entry in ClinVar:

ClinVar aggregate classification (germline): Uncertain significance. Review status: criteria provided, multiple submitters, no conflicts (2 of 4 stars). 2 submissions from 2 submitters: Uncertain significance (2). Last evaluated 2024-01-30.

Conditions:
Kabuki syndrome. Also called: NIIKAWA-KUROKI SYNDROME; Kabuki make-up syndrome. Identifiers: Orphanet 2322, MedGen C0796004, MONDO:0016512.
Kabuki syndrome 1 (KABUK1). Also called: KMT2D-Related Kabuki Syndrome. Identifiers: Orphanet 2322, MedGen CN030661, MONDO:0007843, OMIM 147920.

Allele frequency attached by ClinVar (database versions not stated): gnomAD exomes 0.00001; TOPMed 0.00001; gnomAD 0.00002.
gnomAD v4.1: 13 of 1,555,652 alleles (0.00084%); highest among the groups gnomAD compares: Admixed American, 0.0079%; no homozygotes.

Submissions (2):

Labcorp Genetics (formerly Invitae), Labcorp
Classification: Uncertain significance for Kabuki syndrome. Last evaluated: 2024-01-30. Review status: criteria provided, single submitter. Criteria: Invitae Variant Classification Sherloc (09022015). Collection method: clinical testing. Allele origin: germline.
Comment: This sequence change falls in intron 41 of the KMT2D gene. It does not directly change the encoded amino acid sequence of the KMT2D protein. It affects a nucleotide within the consensus splice site. This variant is present in population databases (no rsID available, gnomAD 0.008%). This variant has not been reported in the literature in individuals affected with KMT2D-related conditions. ClinVar contains an entry for this variant (Variation ID: 1033585). Variants that disrupt the consensus splice site are a relatively common cause of aberrant splicing (PMID: 17576681, 9536098). Algorithms developed to predict the effect of sequence changes on RNA splicing suggest that this variant is not likely to affect RNA splicing. In summary, the available evidence is currently insufficient to determine the role of this variant in disease. Therefore, it has been classified as a Variant of Uncertain Significance.

Baylor Genetics
Classification: Uncertain significance for Kabuki syndrome 1. Last evaluated: 2018-01-24. Review status: criteria provided, single submitter. Criteria: ACMG Guidelines, 2015. Collection method: clinical testing. Allele origin: unknown. Affected: yes.
Comment: This variant was determined to be of uncertain significance according to ACMG Guidelines, 2015 [PMID:25741868].

Literature cited by the submitters: PubMed 17576681 (cited by Labcorp Genetics (formerly Invitae), Labcorp); PubMed 9536098 (cited by Labcorp Genetics (formerly Invitae), Labcorp).

NM_003482.4(KMT2D):c.13839+3C>T

Gene: KMT2D (lysine methyltransferase 2D; minus strand). Cytogenetic location: 12q13.12.
Variant type: single nucleotide variant.
Coding change: c.13839+3C>T on transcript NM_003482.4 (MANE Select); 3 bases into the intron after coding-DNA position 13839, C replaced by T.
Molecular consequence: intron variant.
Genome position (GRCh38, 1-based): chr12:49,030,598, G>A on the plus strand (C>T on the coding strand, the complement: KMT2D is on the minus strand). VCF-style: chr12-49030598-G-A. GRCh37 (hg19) VCF-style: chr12-49424381-G-A.
Identifiers: ClinVar variation 1033585 (VCV001033585.5), dbSNP rs1218915669, ClinGen allele CA605233549.